The following is an entry in ClinVar:

ClinVar aggregate classification (germline): Likely benign. Review status: criteria provided, multiple submitters, no conflicts (2 of 4 stars). 7 submissions from 7 submitters: Likely benign (7). Last evaluated 2025-12-30.

Conditions:
Cardiovascular phenotype. Identifiers: MedGen CN230736.
Osteogenesis imperfecta type I (OI1). Also called: Lobstein disease; Lobstein's Disease; Classic Non-deforming Osteogenesis Imperfecta with Blue Sclerae; Osteogenesis imperfecta type 1; OI, TYPE I; OSTEOGENESIS IMPERFECTA TARDA. Identifiers: Orphanet 216796, Orphanet 666, MedGen C0023931, MONDO:0008146, OMIM 166200. Disease mechanism: loss of function.
Ehlers-Danlos syndrome, classic type, 1 (EDSCL1). Also called: Ehlers-Danlos syndrome, type 1; EHLERS-DANLOS SYNDROME, GRAVIS TYPE; EHLERS-DANLOS SYNDROME, SEVERE CLASSIC TYPE; Ehlers-Danlos Syndrome, Classic Type, COL5A1-Related; EDS I. Identifiers: MedGen C0268335, MONDO:0019567, OMIM 130000.

Allele frequency attached by ClinVar (database versions not stated): gnomAD 0.00003 and 0.00004; TOPMed 0.00003; gnomAD exomes 0.00004 and 0.00007; ExAC 0.00007; ESP Exome Variant Server 0.00008.
gnomAD v4.1: 63 of 1,613,978 alleles (0.0039%); highest among the groups gnomAD compares: Non-Finnish European, 0.0051%; no homozygotes.

Submissions (7):

Labcorp Genetics (formerly Invitae), Labcorp
Classification: Likely benign for Osteogenesis imperfecta type I; Ehlers-Danlos syndrome, classic type, 1. Last evaluated: 2025-12-30. Review status: criteria provided, single submitter. Criteria: Invitae Variant Classification Sherloc (09022015). Collection method: clinical testing. Allele origin: germline.

CeGaT Center for Human Genetics Tuebingen
Classification: Likely benign. Last evaluated: 2025-11-01. Review status: criteria provided, single submitter. Criteria: CeGaT Center For Human Genetics Tuebingen Variant Classification Criteria Version 2. Collection method: clinical testing. Allele origin: germline. Affected: yes. Observed: 1 variant allele.
Comment: COL1A2: BP4, BP7

Mayo Clinic Laboratories, Mayo Clinic
Classification: Likely benign. Last evaluated: 2025-05-22. Review status: criteria provided, single submitter. Criteria: ACMG Guidelines, 2015. Collection method: clinical testing. Allele origin: germline. Observed: 1 variant allele.
Comment: BS1, BP4, BP7

Women's Health and Genetics/Laboratory Corporation of America, LabCorp
Classification: Likely benign. Last evaluated: 2025-05-14. Review status: criteria provided, single submitter. Criteria: LabCorp Variant Classification Summary - May 2015. Collection method: clinical testing. Allele origin: germline.

Blueprint Genetics
Classification: Likely benign. Last evaluated: 2024-01-18. Review status: criteria provided, single submitter. Criteria: ACMG Guidelines, 2015. Collection method: clinical testing. Allele origin: germline.

ARUP Laboratories, Molecular Genetics and Genomics, ARUP Laboratories
Classification: Likely benign. Last evaluated: 2023-03-03. Review status: criteria provided, single submitter. Criteria: ARUP Molecular Germline Variant Investigation Process 2024. Collection method: clinical testing. Allele origin: germline.

Ambry Genetics
Classification: Likely benign for Cardiovascular phenotype. Last evaluated: 2019-09-14. Review status: criteria provided, single submitter. Criteria: Ambry Variant Classification Scheme 2023. Collection method: clinical testing. Allele origin: germline.

NM_000089.4(COL1A2):c.2481A>C (p.Pro827=)

Gene: COL1A2 (collagen type I alpha 2 chain; plus strand). Cytogenetic location: 7q21.3.
Variant type: single nucleotide variant.
Coding change: c.2481A>C on transcript NM_000089.4 (MANE Select); coding-DNA position 2481, A replaced by C.
Protein change: p.Pro827=; no amino-acid change (proline 827 retained).
Molecular consequence: synonymous variant.
Genome position (GRCh38, 1-based): chr7:94,423,034, A>C. VCF-style: chr7-94423034-A-C. GRCh37 (hg19) VCF-style: chr7-94052346-A-C.
Other names: p.Pro827=.
Identifiers: ClinVar variation 1109504 (VCV001109504.22), dbSNP rs142310831, ClinGen allele CA4347458.